The following is an entry in ClinVar:

ClinVar aggregate classification (germline): Uncertain significance (1 of 4 stars; one submission).

Allele frequency attached by ClinVar (database versions not stated): ExAC 0.00001; gnomAD 0.00001.
gnomAD v4.1: 27 of 1,609,666 alleles (0.0017%); highest among the groups gnomAD compares: Non-Finnish European, 0.002%; no homozygotes.

Submission:

Labcorp Genetics (formerly Invitae), Labcorp
Classification: Uncertain significance. Last evaluated: 2022-08-22. Review status: criteria provided, single submitter. Criteria: Invitae Variant Classification Sherloc (09022015). Collection method: clinical testing. Allele origin: germline.
Comment: This sequence change replaces proline, which is neutral and non-polar, with serine, which is neutral and polar, at codon 459 of the PRPF4 protein (p.Pro459Ser). The frequency data for this variant in the population databases is considered unreliable, as metrics indicate poor data quality at this position in the gnomAD database. In summary, the available evidence is currently insufficient to determine the role of this variant in disease. Therefore, it has been classified as a Variant of Uncertain Significance. Algorithms developed to predict the effect of missense changes on protein structure and function (SIFT, PolyPhen-2, Align-GVGD) all suggest that this variant is likely to be tolerated. This variant has not been reported in the literature in individuals affected with PRPF4-related conditions.

NM_001244926.2(PRPF4):c.1372C>T (p.Pro458Ser)

Gene: PRPF4 (pre-mRNA splicing tri-snRNP complex factor PRPF4; plus strand). Cytogenetic location: 9q32.
Variant type: single nucleotide variant.
Coding change: c.1372C>T on transcript NM_001244926.2 (MANE Select); coding-DNA position 1372, C replaced by T.
Protein change: p.Pro458Ser; replaces proline 458 with serine.
Molecular consequence: missense variant. On other transcripts: non-coding transcript variant (2).
Genome position (GRCh38, 1-based): chr9:113,291,016, C>T. VCF-style: chr9-113291016-C-T. GRCh37 (hg19) VCF-style: chr9-116053296-C-T.
Other names: c.646C>T, p.Pro216Ser (NM_001322266.2, NM_001322267.2); c.1375C>T, p.Pro459Ser (NM_004697.5); short protein forms P216S, P459S, P458S.
Identifiers: ClinVar variation 1913304 (VCV001913304.5), dbSNP rs768775315, ClinGen allele CA5195159.